The following is an entry in ClinVar:

ClinVar aggregate classification (germline): Likely benign. Review status: criteria provided, multiple submitters, no conflicts (2 of 4 stars). 2 submissions from 2 submitters: Likely benign (2). Last evaluated 2025-09-24.

Conditions:
NEXN-related disorder. Also called: NEXN-related disorders; NEXN-related condition.
Hypertrophic cardiomyopathy 20. Identifiers: MedGen C3151267, MONDO:0013477, OMIM 613876.
Dilated cardiomyopathy 1CC (CMD1CC). Identifiers: Orphanet 154, MedGen C2751084, MONDO:0013147, OMIM 613122.

Allele frequency attached by ClinVar (database versions not stated): gnomAD 0.00001; gnomAD exomes 0.00001 and 0.00004; TOPMed 0.00001; ExAC 0.00003.
gnomAD v4.1: 13 of 1,574,498 alleles (0.00083%); highest among the groups gnomAD compares: Admixed American, 0.018%; no homozygotes.

Submissions (2):

PreventionGenetics, part of Exact Sciences
Classification: Likely benign for NEXN-related condition. Last evaluated: 2025-09-24. Review status: criteria provided, single submitter. Criteria: ACMG Guidelines, 2015. Collection method: clinical testing. Allele origin: germline.
Comment: This variant is classified as likely benign based on ACMG/AMP sequence variant interpretation guidelines (Richards et al. 2015 PMID: 25741868, with internal and published modifications).

Labcorp Genetics (formerly Invitae), Labcorp
Classification: Likely benign for Dilated cardiomyopathy 1CC; Hypertrophic cardiomyopathy 20. Last evaluated: 2025-08-27. Review status: criteria provided, single submitter. Criteria: Invitae Variant Classification Sherloc (09022015). Collection method: clinical testing. Allele origin: germline.

NM_144573.4(NEXN):c.448-10C>T

Gene: NEXN (nexilin F-actin binding protein; plus strand). Cytogenetic location: 1p31.1.
Variant type: single nucleotide variant.
Coding change: c.448-10C>T on transcript NM_144573.4 (MANE Select); 10 bases into the intron before coding-DNA position 448, C replaced by T.
Molecular consequence: intron variant.
Genome position (GRCh38, 1-based): chr1:77,925,178, C>T. VCF-style: chr1-77925178-C-T. GRCh37 (hg19) VCF-style: chr1-78390863-C-T.
Other names: c.448-10C>T (NM_144573.3); c.256-10C>T (NM_001172309.2).
Identifiers: ClinVar variation 1113082 (VCV001113082.11), dbSNP rs773027207, ClinGen allele CA918653.